The following is an entry in ClinVar:

NM_018089.3(ANKZF1):c.1794_1796delinsGGC (p.Asn598_Lys599delinsLysAla)

Gene: ANKZF1 (ankyrin repeat and zinc finger peptidyl tRNA hydrolase 1; plus strand). Cytogenetic location: 2q35.
Variant type: Indel.
Coding change: c.1794_1796delinsGGC on transcript NM_018089.3 (MANE Select); coding-DNA positions 1794 to 1796, CAA replaced by GGC.
Protein change: p.Asn598_Lys599delinsLysAla.
Molecular consequence: missense variant.
Genome position (GRCh38, 1-based): chr2:219,235,576-219,235,578, CAA replaced by GGC. VCF-style: chr2-219235576-CAA-GGC. GRCh37 (hg19) VCF-style: chr2-220100298-CAA-GGC.
Other names: c.1794_1796delinsGGC, p.Asn598_Lys599delinsLysAla (NM_001042410.2); c.1164_1166delinsGGC, p.Asn388_Lys389delinsLysAla (NM_001282792.2).
Identifiers: ClinVar variation 1940160 (VCV001940160.5), dbSNP rs2544931846, ClinGen allele CA2580065764.

ClinVar aggregate classification (germline): Uncertain significance (1 of 4 stars; one submission).

Submission:

Labcorp Genetics (formerly Invitae), Labcorp
Classification: Uncertain significance. Last evaluated: 2023-03-24. Review status: criteria provided, single submitter. Criteria: Invitae Variant Classification Sherloc (09022015). Collection method: clinical testing. Allele origin: germline.
Comment: Information on the frequency of this variant in the gnomAD database is not available, as this variant may be reported differently in the database. This variant, c.1794_1796delinsGGC, is a complex sequence change that results in the deletion of 2 and insertion of 2 amino acid(s) in the ANKZF1 protein (p.Asn598_Lys599delinsLysAla). This variant has not been reported in the literature in individuals affected with ANKZF1-related conditions. ClinVar contains an entry for this variant (Variation ID: 1940160). Experimental studies and prediction algorithms are not available or were not evaluated, and the functional significance of this variant is currently unknown. In summary, the available evidence is currently insufficient to determine the role of this variant in disease. Therefore, it has been classified as a Variant of Uncertain Significance.